The following is an entry in ClinVar:

ClinVar aggregate classification (germline): Uncertain significance. Review status: criteria provided, multiple submitters, no conflicts (2 of 4 stars). 4 submissions from 4 submitters: Uncertain significance (4). Last evaluated 2024-02-07.

Conditions:
Polyglucosan body myopathy type 1 (PGBM1). Also called: POLYGLUCOSAN BODY MYOPATHY WITHOUT IMMUNODEFICIENCY; Polyglucosan body myopathy 1 with or without immunodeficiency. Identifiers: Orphanet 329173, Orphanet 397937, MedGen C4014605, MONDO:0014389, OMIM 615895.

Allele frequency attached by ClinVar (database versions not stated): gnomAD 0.00004 and 0.00005; TOPMed 0.00006; ExAC 0.00010; gnomAD exomes 0.00011; ESP Exome Variant Server 0.00015.

Submissions (4):

Mayo Clinic Laboratories, Mayo Clinic
Classification: Uncertain significance. Last evaluated: 2024-02-07. Review status: criteria provided, single submitter. Criteria: ACMG Guidelines, 2015. Collection method: clinical testing. Allele origin: germline. Observed: 1 variant allele.

Blueprint Genetics
Classification: Uncertain significance. Last evaluated: 2024-02-05. Review status: criteria provided, single submitter. Criteria: ACMG Guidelines, 2015. Collection method: clinical testing. Allele origin: germline.

Revvity Omics, Revvity
Classification: Uncertain significance for Polyglucosan body myopathy type 1. Last evaluated: 2023-05-30. Review status: criteria provided, single submitter. Criteria: ACMG Guidelines, 2015. Collection method: clinical testing. Allele origin: germline.

Labcorp Genetics (formerly Invitae), Labcorp
Classification: Uncertain significance for Polyglucosan body myopathy type 1. Last evaluated: 2022-10-24. Review status: criteria provided, single submitter. Criteria: Invitae Variant Classification Sherloc (09022015). Collection method: clinical testing. Allele origin: germline.
Comment: This sequence change replaces arginine, which is basic and polar, with cysteine, which is neutral and slightly polar, at codon 314 of the RBCK1 protein (p.Arg314Cys). This variant is present in population databases (rs144105841, gnomAD 0.05%). This variant has not been reported in the literature in individuals affected with RBCK1-related conditions. ClinVar contains an entry for this variant (Variation ID: 1001763). Advanced modeling of protein sequence and biophysical properties (such as structural, functional, and spatial information, amino acid conservation, physicochemical variation, residue mobility, and thermodynamic stability) performed at Invitae indicates that this missense variant is not expected to disrupt RBCK1 protein function. In summary, the available evidence is currently insufficient to determine the role of this variant in disease. Therefore, it has been classified as a Variant of Uncertain Significance.

NM_031229.4(RBCK1):c.940C>T (p.Arg314Cys)

Gene: RBCK1 (RANBP2-type and C3HC4-type zinc finger containing 1; plus strand). Cytogenetic location: 20p13.
Variant type: single nucleotide variant.
Coding change: c.940C>T on transcript NM_031229.4 (MANE Select); coding-DNA position 940, C replaced by T.
Protein change: p.Arg314Cys; replaces arginine 314 with cysteine.
Molecular consequence: missense variant. On other transcripts: non-coding transcript variant (1).
Genome position (GRCh38, 1-based): chr20:422,149, C>T. VCF-style: chr20-422149-C-T. GRCh37 (hg19) VCF-style: chr20-402793-C-T.
Other names: p.Arg314Cys; c.430C>T, p.Arg144Cys (NM_001323956.2, NM_001323958.2); c.814C>T, p.Arg272Cys (NM_006462.6); short protein forms R144C, R272C, R314C.
Identifiers: ClinVar variation 1001763 (VCV001001763.7), dbSNP rs144105841, ClinGen allele CA9723234.